The following is an entry in ClinVar:

NM_000138.5(FBN1):c.2116G>T (p.Glu706Ter)

Gene: FBN1 (fibrillin 1; minus strand). Cytogenetic location: 15q21.1.
Variant type: single nucleotide variant.
Coding change: c.2116G>T on transcript NM_000138.5 (MANE Select); coding-DNA position 2116, G replaced by T.
Protein change: p.Glu706Ter; replaces glutamic acid 706 with a stop codon.
Molecular consequence: nonsense.
Genome position (GRCh38, 1-based): chr15:48,499,036, C>A on the plus strand (G>T on the coding strand, the complement: FBN1 is on the minus strand). VCF-style: chr15-48499036-C-A. GRCh37 (hg19) VCF-style: chr15-48791233-C-A.
Other names: short protein forms E706*.
Identifiers: ClinVar variation 1417265 (VCV001417265.7), dbSNP rs2141308933, ClinGen allele CA392336455.

ClinVar aggregate classification (germline): Pathogenic. Review status: criteria provided, multiple submitters, no conflicts (2 of 4 stars). 2 submissions from 2 submitters: Pathogenic (2). Last evaluated 2021-08-30.

Conditions:
Marfan syndrome (MFS). Also called: MARFAN SYNDROME, TYPE I; Marfan syndrome type 1; Marfan's syndrome; Marfan syndrome, classic; FBN1-Related Marfan Syndrome. Identifiers: Orphanet 284963, Orphanet 558, MedGen C0024796, MONDO:0007947, OMIM 154700.
Familial thoracic aortic aneurysm and aortic dissection (TAAD). Also called: Thoracic aortic aneurysms and dissections. Identifiers: Orphanet 91387, MedGen C4707243, MONDO:0019625.

Submissions (2):

Labcorp Genetics (formerly Invitae), Labcorp
Classification: Pathogenic for Marfan syndrome; Familial thoracic aortic aneurysm and aortic dissection. Last evaluated: 2021-08-30. Review status: criteria provided, single submitter. Criteria: Invitae Variant Classification Sherloc (09022015). Collection method: clinical testing. Allele origin: germline.
Comment: For these reasons, this variant has been classified as Pathogenic. This variant has not been reported in the literature in individuals affected with FBN1-related conditions. This variant is not present in population databases (ExAC no frequency). This sequence change creates a premature translational stop signal (p.Glu706*) in the FBN1 gene. It is expected to result in an absent or disrupted protein product. Loss-of-function variants in FBN1 are known to be pathogenic (PMID: 17657824, 19293843).

Dr.Nikuei Genetic Center
Classification: Pathogenic for Marfan syndrome. Review status: criteria provided, single submitter. Criteria: ACMG Guidelines, 2015. Collection method: clinical testing. Allele origin: germline. Inheritance: Autosomal dominant inheritance. Affected: yes. Observed: 1 heterozygote.

Literature cited by the submitters: PubMed 17657824 (cited by Labcorp Genetics (formerly Invitae), Labcorp); PubMed 19293843 (cited by Labcorp Genetics (formerly Invitae), Labcorp).